The following is an entry in ClinVar:

ClinVar aggregate classification (germline): Uncertain significance (1 of 4 stars; one submission).

Submission:

Labcorp Genetics (formerly Invitae), Labcorp
Classification: Uncertain significance. Last evaluated: 2021-07-31. Review status: criteria provided, single submitter. Criteria: Invitae Variant Classification Sherloc (09022015). Collection method: clinical testing. Allele origin: germline.
Comment: This variant is not present in population databases (ExAC no frequency). In summary, the available evidence is currently insufficient to determine the role of this variant in disease. Therefore, it has been classified as a Variant of Uncertain Significance. Nucleotide substitutions within the consensus splice site are a relatively common cause of aberrant splicing (PMID: 17576681, 9536098). Algorithms developed to predict the effect of sequence changes on RNA splicing suggest that this variant may disrupt the consensus splice site. This variant has not been reported in the literature in individuals affected with KIF11-related conditions. This sequence change falls in intron 10 of the KIF11 gene. It does not directly change the encoded amino acid sequence of the KIF11 protein. It affects a nucleotide within the consensus splice site of the intron.

Literature cited by the submitters: PubMed 17576681; PubMed 9536098.

NM_004523.4(KIF11):c.1218-3T>G

Gene: KIF11 (kinesin family member 11; plus strand). Cytogenetic location: 10q23.33.
Variant type: single nucleotide variant.
Coding change: c.1218-3T>G on transcript NM_004523.4 (MANE Select); 3 bases into the intron before coding-DNA position 1218, T replaced by G.
Molecular consequence: intron variant.
Genome position (GRCh38, 1-based): chr10:92,628,805, T>G. VCF-style: chr10-92628805-T-G. GRCh37 (hg19) VCF-style: chr10-94388562-T-G.
Identifiers: ClinVar variation 1448073 (VCV001448073.6), dbSNP rs2135913768, ClinGen allele CA2573145822.